The following is an entry in ClinVar:

NM_030665.4(RAI1):c.5660-968_5660-966dup

Gene: RAI1 (retinoic acid induced 1; plus strand). Cytogenetic location: 17p11.2.
Variant type: Duplication.
Coding change: c.5660-968_5660-966dup on transcript NM_030665.4 (MANE Select); 968 bases into the intron before coding-DNA position 5660 through 966 bases into the intron before coding-DNA position 5660, 3 bases duplicated (ATT; older notation c.5660-968_5660-966dupATT).
Molecular consequence: intron variant.
Genome position (GRCh38, 1-based): chr17:17,808,422-17,808,424, ATT duplicated; duplicating any 3 consecutive bases within chr17:17,808,420-17,808,424 gives the same sequence; the c. name uses the placement nearest the transcript's 3' end. VCF-style (leftmost placement, unchanged base first): chr17-17808419-T-TTTA. GRCh37 (hg19) VCF-style: chr17-17711733-T-TTTA.
Identifiers: ClinVar variation 2647529 (VCV002647529.24), dbSNP rs1350058421, ClinGen allele CA625029011.

ClinVar aggregate classification (germline): Benign (1 of 4 stars; one submission).

Submission:

CeGaT Center for Human Genetics Tuebingen
Classification: Benign. Last evaluated: 2022-04-01. Review status: criteria provided, single submitter. Criteria: CeGaT Center For Human Genetics Tuebingen Variant Classification Criteria Version 2. Collection method: clinical testing. Allele origin: germline. Affected: yes. Observed: 2 variant alleles.
Comment: RAI1: BS1, BS2